The following is an entry in ClinVar:

NM_000829.4(GRIA4):c.1068G>T (p.Gly356=)

Gene: GRIA4 (glutamate ionotropic receptor AMPA type subunit 4; plus strand). Cytogenetic location: 11q22.3.
Variant type: single nucleotide variant.
Coding change: c.1068G>T on transcript NM_000829.4 (MANE Select); coding-DNA position 1068, G replaced by T.
Protein change: p.Gly356=; no amino-acid change (glycine 356 retained).
Molecular consequence: synonymous variant. On other transcripts: non-coding transcript variant (1).
Genome position (GRCh38, 1-based): chr11:105,905,211, G>T. VCF-style: chr11-105905211-G-T. GRCh37 (hg19) VCF-style: chr11-105775937-G-T.
Other names: c.1068G>T, p.Gly356= (NM_001440390.1, NM_001440391.1, NM_001440392.1 and 20 more transcripts).
Identifiers: ClinVar variation 4681733 (VCV004681733.5).
Genomic context (GRCh38, chr11:105,905,211, plus strand): 5'-TAAGTGAAATTGCAAGTGAACACGTGTGGTTTTCTTTTTCACTTAGGTTCGAATTCAAGG[G>T]CTGACAGGGAATGTTCAGTTTGACCACTATGGACGTAGAGTCAATTACACAATGGATGTG-3'
Protein context (NP_000820.4, residues 346-366): ERTLKQVRIQ[Gly356=]LTGNVQFDHY

ClinVar aggregate classification (germline): Likely benign (1 of 4 stars; one submission).

gnomAD v4.1: 18 of 1,599,622 alleles (0.0011%); highest among the groups gnomAD compares: Non-Finnish European, 0.0015%; no homozygotes.

Submission:

CeGaT Center for Human Genetics Tuebingen
Classification: Likely benign. Last evaluated: 2025-12-01. Review status: criteria provided, single submitter. Criteria: CeGaT Center For Human Genetics Tuebingen Variant Classification Criteria Version 2. Collection method: clinical testing. Allele origin: germline. Affected: yes. Observed: 1 variant allele.
Comment: GRIA4: BP4, BP7